The following is an entry in ClinVar:

NM_001805.4(CEBPE):c.35G>A (p.Arg12Gln)

Gene: CEBPE (CCAAT enhancer binding protein epsilon; minus strand). Cytogenetic location: 14q11.2.
Variant type: single nucleotide variant.
Coding change: c.35G>A on transcript NM_001805.4 (MANE Select); coding-DNA position 35, G replaced by A.
Protein change: p.Arg12Gln; replaces arginine 12 with glutamine.
Molecular consequence: missense variant.
Genome position (GRCh38, 1-based): chr14:23,119,057, C>T on the plus strand (G>A on the coding strand, the complement: CEBPE is on the minus strand). VCF-style: chr14-23119057-C-T. GRCh37 (hg19) VCF-style: chr14-23588266-C-T.
Other names: p.Arg12Gln; c.35G>A (NM_001805.3); short protein forms R12Q.
Identifiers: ClinVar variation 1139970 (VCV001139970.11), dbSNP rs201106129, ClinGen allele CA7111316.

ClinVar aggregate classification (germline): Likely benign. Review status: criteria provided, multiple submitters, no conflicts (2 of 4 stars). 3 submissions from 3 submitters: Likely benign (2). 1 of the submissions does not count toward it. Last evaluated 2025-08-01.

Conditions:
Specific granule deficiency. Identifiers: Orphanet 169142, MedGen C0398593, MONDO:0009506.
CEBPE-related disorder. Also called: CEBPE-related condition.

Allele frequency attached by ClinVar (database versions not stated): gnomAD exomes 0.00014; ExAC 0.00017; ESP Exome Variant Server 0.00046; 1000 Genomes Project 0.00060; gnomAD 0.00081; 1000 Genomes Project 30x 0.00094.
gnomAD v4.1: 207 of 1,610,116 alleles (0.013%); highest among the groups gnomAD compares: African/African-American, 0.23%; no homozygotes.

Submissions (3):

Labcorp Genetics (formerly Invitae), Labcorp
Classification: Likely benign for Specific granule deficiency. Last evaluated: 2025-08-01. Review status: criteria provided, single submitter. Criteria: Invitae Variant Classification Sherloc (09022015). Collection method: clinical testing. Allele origin: germline.

Mayo Clinic Laboratories, Mayo Clinic
Classification: Likely benign. Last evaluated: 2025-02-27. Review status: criteria provided, single submitter. Criteria: ACMG Guidelines, 2015. Collection method: clinical testing. Allele origin: germline. Observed: 1 variant allele.
Comment: BS1, BP4_moderate

PreventionGenetics, part of Exact Sciences
Classification: Likely benign for CEBPE-related condition. Last evaluated: 2024-09-09. Review status: no assertion criteria provided. Collection method: clinical testing. Allele origin: germline. Not counted in ClinVar's aggregate classification.
Comment: This variant is classified as likely benign based on ACMG/AMP sequence variant interpretation guidelines (Richards et al. 2015 PMID: 25741868, with internal and published modifications).